The following is an entry in ClinVar:

ClinVar aggregate classification (germline): Uncertain significance (1 of 4 stars; one submission).

Submission:

Dasa
Classification: Uncertain significance. Last evaluated: 2025-01-28. Review status: criteria provided, single submitter. Criteria: DASA Assertion Criteria. Collection method: clinical testing. Allele origin: germline.
Comment: NM_133433.4(NIPBL):c.1284C>G (p.Phe428Leu) is a missense variant that results in the substitution of phenylalanine with leucine. This variant is absent from population databases. Computational prediction algorithms are consistent with a benign effect. The currently available literature and clinical evidence are not sufficient to establish a definitive association between this variant and the reported condition. Therefore, this variant is classified as a variant of uncertain significance.

NM_133433.4(NIPBL):c.1284C>G (p.Phe428Leu)

Gene: NIPBL (NIPBL cohesin loading factor; plus strand). Cytogenetic location: 5p13.2.
Variant type: single nucleotide variant.
Coding change: c.1284C>G on transcript NM_133433.4 (MANE Select); coding-DNA position 1284, C replaced by G.
Protein change: p.Phe428Leu; replaces phenylalanine 428 with leucine.
Molecular consequence: missense variant.
Genome position (GRCh38, 1-based): chr5:36,976,191, C>G. VCF-style: chr5-36976191-C-G. GRCh37 (hg19) VCF-style: chr5-36976293-C-G.
Other names: c.1284C>G, p.Phe428Leu (NM_001438586.1, NM_015384.5); short protein forms F428L.
Identifiers: ClinVar variation 4886729 (VCV004886729.2).